The following is an entry in ClinVar:

ClinVar aggregate classification (germline): Uncertain significance (1 of 4 stars; one submission).

Conditions:
Neuropathy, hereditary sensory and autonomic, type 2A (HSAN2A). Also called: WNK1-Related HSAN2 (HSAN2A); ACROOSTEOLYSIS, GIACCAI TYPE; ACROOSTEOLYSIS, NEUROGENIC; HSAN IIA; MORVAN DISEASE; NEUROPATHY, CONGENITAL SENSORY. Identifiers: Orphanet 970, MedGen C2752089, MONDO:0024309, OMIM 201300.
Generalized epilepsy with febrile seizures plus, type 7 (GEFSP7). Also called: GEFS+, TYPE 7. Identifiers: Orphanet 36387, MedGen C2751778, MONDO:0013470, OMIM 613863.

Submission:

Labcorp Genetics (formerly Invitae), Labcorp
Classification: Uncertain significance for Neuropathy, hereditary sensory and autonomic, type 2A; Generalized epilepsy with febrile seizures plus, type 7. Last evaluated: 2022-09-09. Review status: criteria provided, single submitter. Criteria: Invitae Variant Classification Sherloc (09022015). Collection method: clinical testing. Allele origin: germline.
Comment: This variant is not present in population databases (gnomAD no frequency). This variant has not been reported in the literature in individuals affected with SCN9A-related conditions. Variants that disrupt the consensus splice site are a relatively common cause of aberrant splicing (PMID: 17576681, 9536098). Algorithms developed to predict the effect of sequence changes on RNA splicing suggest that this variant may create or strengthen a splice site. In summary, the available evidence is currently insufficient to determine the role of this variant in disease. Therefore, it has been classified as a Variant of Uncertain Significance. This sequence change falls in intron 3 of the SCN9A gene. It does not directly change the encoded amino acid sequence of the SCN9A protein. It affects a nucleotide within the consensus splice site.

Literature cited by the submitters: PubMed 17576681; PubMed 9536098.

NM_001365536.1(SCN9A):c.378-3T>G

Gene: SCN9A (sodium voltage-gated channel alpha subunit 9; minus strand). Cytogenetic location: 2q24.3.
Variant type: single nucleotide variant.
Coding change: c.378-3T>G on transcript NM_001365536.1 (MANE Select); 3 bases into the intron before coding-DNA position 378, T replaced by G.
Molecular consequence: intron variant.
Genome position (GRCh38, 1-based): chr2:166,306,602, A>C on the plus strand (T>G on the coding strand, the complement: SCN9A is on the minus strand). VCF-style: chr2-166306602-A-C. GRCh37 (hg19) VCF-style: chr2-167163112-A-C.
Other names: c.378-3T>G (NM_002977.4).
Identifiers: ClinVar variation 2029701 (VCV002029701.4), dbSNP rs2468133382, ClinGen allele CA2580064358.